The following is an entry in ClinVar:

ClinVar aggregate classification (germline): Uncertain significance. Review status: criteria provided, multiple submitters, no conflicts (2 of 4 stars). 2 submissions from 2 submitters: Uncertain significance (2). Last evaluated 2022-06-09.

Conditions:
Aicardi-Goutieres syndrome 3. Identifiers: Orphanet 51, MedGen C1835916, MONDO:0012471, OMIM 610329.

gnomAD v4.1: 24 of 1,614,248 alleles (0.0015%); highest among the groups gnomAD compares: South Asian, 0.0022%; no homozygotes.

Submissions (2):

Labcorp Genetics (formerly Invitae), Labcorp
Classification: Uncertain significance for Aicardi-Goutieres syndrome 3. Last evaluated: 2022-06-09. Review status: criteria provided, single submitter. Criteria: Invitae Variant Classification Sherloc (09022015). Collection method: clinical testing. Allele origin: germline.
Comment: This sequence change replaces glutamic acid, which is acidic and polar, with lysine, which is basic and polar, at codon 110 of the RNASEH2C protein (p.Glu110Lys). This variant is present in population databases (rs759057632, gnomAD 0.003%). This variant has not been reported in the literature in individuals affected with RNASEH2C-related conditions. Algorithms developed to predict the effect of missense changes on protein structure and function output the following: SIFT: "Tolerated"; PolyPhen-2: "Benign"; Align-GVGD: "Class C0". The lysine amino acid residue is found in multiple mammalian species, which suggests that this missense change does not adversely affect protein function. In summary, the available evidence is currently insufficient to determine the role of this variant in disease. Therefore, it has been classified as a Variant of Uncertain Significance.

Breakthrough Genomics
Classification: Uncertain significance. Review status: criteria provided, single submitter. Criteria: ACMG Guidelines, 2015. Collection method: not provided. Allele origin: germline. Inheritance: Autosomal recessive inheritance. Affected: yes.

NM_032193.4(RNASEH2C):c.328G>A (p.Glu110Lys)

Gene: RNASEH2C (ribonuclease H2 subunit C; minus strand). Cytogenetic location: 11q13.1.
Variant type: single nucleotide variant.
Coding change: c.328G>A on transcript NM_032193.4 (MANE Select); coding-DNA position 328, G replaced by A.
Protein change: p.Glu110Lys; replaces glutamic acid 110 with lysine.
Molecular consequence: missense variant.
Genome position (GRCh38, 1-based): chr11:65,720,262, C>T on the plus strand (G>A on the coding strand, the complement: RNASEH2C is on the minus strand). VCF-style: chr11-65720262-C-T. GRCh37 (hg19) VCF-style: chr11-65487733-C-T.
Other names: short protein forms E110K.
Identifiers: ClinVar variation 1435549 (VCV001435549.4), dbSNP rs759057632, ClinGen allele CA6107738.